The following is an entry in ClinVar:

ClinVar aggregate classification (germline): Uncertain significance (1 of 4 stars; one submission).

Conditions:
Myoclonic epilepsy, juvenile, susceptibility to, 1. Also called: Myoclonic Epilepsy, Juvenile, 1; EJM1. Identifiers: MedGen C1850778, MONDO:0020752, OMIM 254770.
Absence seizure. Also called: Absence epilepsy. Identifiers: Orphanet 1941, MedGen C0014553.

Allele frequency attached by ClinVar (database versions not stated): gnomAD 0.00003; TOPMed 0.00003.
gnomAD v4.1: 23 of 1,614,028 alleles (0.0014%); highest among the groups gnomAD compares: Non-Finnish European, 0.0019%; no homozygotes.

Submission:

Labcorp Genetics (formerly Invitae), Labcorp
Classification: Uncertain significance for Myoclonic epilepsy, juvenile, susceptibility to, 1; Absence seizure. Last evaluated: 2020-12-09. Review status: criteria provided, single submitter. Criteria: Invitae Variant Classification Sherloc (09022015). Collection method: clinical testing. Allele origin: germline.
Comment: In summary, the available evidence is currently insufficient to determine the role of this variant in disease. Therefore, it has been classified as a Variant of Uncertain Significance. This sequence change replaces arginine with glycine at codon 536 of the EFHC1 protein (p.Arg536Gly). The arginine residue is moderately conserved and there is a moderate physicochemical difference between arginine and glycine. This variant is present in population databases (rs779990464, ExAC 0.003%). This variant has not been reported in the literature in individuals with EFHC1-related conditions. Algorithms developed to predict the effect of missense changes on protein structure and function are either unavailable or do not agree on the potential impact of this missense change (SIFT: "Deleterious"; PolyPhen-2: "Benign"; Align-GVGD: "Class C0").

NM_018100.4(EFHC1):c.1606C>G (p.Arg536Gly)

Gene: EFHC1 (EF-hand domain containing 1; plus strand). Cytogenetic location: 6p12.2.
Variant type: single nucleotide variant.
Coding change: c.1606C>G on transcript NM_018100.4 (MANE Select); coding-DNA position 1606, C replaced by G.
Protein change: p.Arg536Gly; replaces arginine 536 with glycine.
Molecular consequence: missense variant. On other transcripts: non-coding transcript variant (1).
Genome position (GRCh38, 1-based): chr6:52,479,753, C>G. VCF-style: chr6-52479753-C-G. GRCh37 (hg19) VCF-style: chr6-52344551-C-G.
Other names: c.1549C>G, p.Arg517Gly (NM_001172420.2); short protein forms R517G, R536G.
Identifiers: ClinVar variation 654115 (VCV000654115.10), dbSNP rs779990464, ClinGen allele CA3856132.